The following is an entry in ClinVar:

ClinVar aggregate classification (germline): Uncertain significance (1 of 4 stars; one submission).

gnomAD v4.1: 40 of 1,614,184 alleles (0.0025%); highest among the groups gnomAD compares: South Asian, 0.0033%; no homozygotes.

Submission:

Labcorp Genetics (formerly Invitae), Labcorp
Classification: Uncertain significance. Last evaluated: 2025-11-12. Review status: criteria provided, single submitter. Criteria: Invitae Variant Classification Sherloc (09022015). Collection method: clinical testing. Allele origin: germline.
Comment: This sequence change replaces glycine, which is neutral and non-polar, with serine, which is neutral and polar, at codon 593 of the ATP4A protein (p.Gly593Ser). This variant is present in population databases (no rsID available, gnomAD 0.005%). This variant has not been reported in the literature in individuals affected with ATP4A-related conditions. Invitae Evidence Modeling of protein sequence and biophysical properties (such as structural, functional, and spatial information, amino acid conservation, physicochemical variation, residue mobility, and thermodynamic stability) indicates that this missense variant is not expected to disrupt ATP4A protein function with a negative predictive value of 80%. In summary, the available evidence is currently insufficient to determine the role of this variant in disease. Therefore, it has been classified as a Variant of Uncertain Significance.

NM_000704.3(ATP4A):c.1777G>A (p.Gly593Ser)

Gene: ATP4A (ATPase H+/K+ transporting subunit alpha; minus strand). Cytogenetic location: 19q13.12.
Variant type: single nucleotide variant.
Coding change: c.1777G>A on transcript NM_000704.3 (MANE Select); coding-DNA position 1777, G replaced by A.
Protein change: p.Gly593Ser; replaces glycine 593 with serine.
Molecular consequence: missense variant.
Genome position (GRCh38, 1-based): chr19:35,557,005, C>T on the plus strand (G>A on the coding strand, the complement: ATP4A is on the minus strand). VCF-style: chr19-35557005-C-T. GRCh37 (hg19) VCF-style: chr19-36047907-C-T.
Other names: short protein forms G593S.
Identifiers: ClinVar variation 4708236 (VCV004708236.1).